The following is an entry in ClinVar:

NM_138713.4(NFAT5):c.925_926del (p.Gln309fs)

Gene: NFAT5 (nuclear factor of activated T cells 5; plus strand). Cytogenetic location: 16q22.1.
Variant type: Microsatellite.
Coding change: c.925_926del on transcript NM_138713.4 (MANE Select); coding-DNA positions 925 to 926, 2 bases deleted (CA; older notation c.925_926delCA).
Protein change: p.Gln309fs; shifts the reading frame from glutamine 309.
Molecular consequence: frameshift variant.
Genome position (GRCh38, 1-based): chr16:69,653,348-69,653,349, CA deleted; deleting any 2 consecutive bases within chr16:69,653,345-69,653,349 gives the same sequence; the c. name uses the placement nearest the transcript's 3' end. VCF-style (leftmost placement, unchanged base first): chr16-69653344-GAC-G. GRCh37 (hg19) VCF-style: chr16-69687247-GAC-G.
Other names: c.925_926del, p.Gln309fs (NM_001113178.3); c.253_254del, p.Gln85fs (NM_001367709.1); c.871_872del, p.Gln291fs (NM_006599.4); c.643_644del, p.Gln215fs (NM_138714.4, NM_173214.3, NM_173215.3); short protein forms Q215fs, Q291fs, Q309fs, Q85fs.
Identifiers: ClinVar variation 1061170 (VCV001061170.7), dbSNP rs2151632923, ClinGen allele CA2580613897.
Genomic context (GRCh38, chr16:69,653,344, plus strand): 5'-GTGTGGACAATATCCTGTTAAAAGTGAGGGAAAGGAGCTGAAGATAGTTGTACAACCTGA[GAC>G]ACAGCACCGAGCTCGGTACCTGACTGAGGGCAGCCGTGGCTCAGTGAAAGATAGAACACA-3'

ClinVar aggregate classification (germline): Uncertain significance (1 of 4 stars; one submission).

Conditions:
Immunodeficiency. Identifiers: MedGen C0021051, MONDO:0021094, HP:0002721.

Submission:

Labcorp Genetics (formerly Invitae), Labcorp
Classification: Uncertain significance for Immunodeficiency. Last evaluated: 2024-05-29. Review status: criteria provided, single submitter. Criteria: Invitae Variant Classification Sherloc (09022015). Collection method: clinical testing. Allele origin: germline.
Comment: This sequence change creates a premature translational stop signal (p.Gln215Alafs*8) in the NFAT5 gene. It is expected to result in an absent or disrupted protein product. However, the current clinical and genetic evidence is not sufficient to establish whether loss-of-function variants in NFAT5 cause disease. This variant is not present in population databases (gnomAD no frequency). This variant has not been reported in the literature in individuals affected with NFAT5-related conditions. In summary, the available evidence is currently insufficient to determine the role of this variant in disease. Therefore, it has been classified as a Variant of Uncertain Significance.